The following is an entry in ClinVar:

NM_147127.5(EVC2):c.3279_3282del (p.Glu1094fs)

Gene: EVC2 (EvC ciliary complex subunit 2; minus strand). Cytogenetic location: 4p16.2.
Variant type: Microsatellite.
Coding change: c.3279_3282del on transcript NM_147127.5 (MANE Select); coding-DNA positions 3279 to 3282, 4 bases deleted (AGAG; older notation c.3279_3282delAGAG).
Protein change: p.Glu1094fs; shifts the reading frame from glutamic acid 1094.
Molecular consequence: frameshift variant.
Genome position (GRCh38, 1-based): chr4:5,574,763-5,574,766, CTCT deleted on the plus strand (AGAG on the coding strand, the reverse complement: EVC2 is on the minus strand); deleting any 4 consecutive bases within chr4:5,574,763-5,574,769 gives the same sequence; the c. name uses the placement nearest the transcript's 3' end. VCF-style (leftmost placement, unchanged base first): chr4-5574762-CCTCT-C. GRCh37 (hg19) VCF-style: chr4-5576489-CCTCT-C.
Other names: c.3039_3042del, p.Glu1014fs (NM_001166136.2); short protein forms E1014fs, E1094fs.
Identifiers: ClinVar variation 1725070 (VCV001725070.2), dbSNP rs2475201744, ClinGen allele CA2580616061.

ClinVar aggregate classification (germline): Likely pathogenic (1 of 4 stars; one submission).

Conditions:
Ellis-van Creveld syndrome (EVC). Also called: EVC-Related Ellis-van Creveld Syndrome; EVC2-Related Ellis-van Creveld Syndrome; MESOECTODERMAL DYSPLASIA; Chondroectodermal dysplasia. Identifiers: Orphanet 289, MedGen C0013903, MONDO:0009162, OMIM 225500.

Submission:

Myriad Genetics, Inc.
Classification: Likely pathogenic for Ellis-van Creveld syndrome. Last evaluated: 2022-03-06. Review status: criteria provided, single submitter. Criteria: Myriad Women's Health Autosomal Recessive and X-Linked Classification Criteria (2021). Collection method: clinical testing. Allele origin: unknown.
Comment: NM_147127.4(EVC2):c.3279_3282delAGAG(E1094Nfs*8) is expected to be pathogenic in the context of EVC2-related Ellis-van Creveld syndrome. This variant is predicted to lead to an abnormal or absent protein product due to the creation of a premature termination codon in EVC2, a gene where loss-of-function variants are known to be pathogenic. Please note: this variant was assessed in the context of healthy population screening.